The following is an entry in ClinVar:

ClinVar aggregate classification (germline): Uncertain significance. Review status: criteria provided, multiple submitters, no conflicts (2 of 4 stars). 5 submissions from 5 submitters: Uncertain significance (5). Last evaluated 2024-12-15.

Conditions:
Inborn genetic diseases. Identifiers: MedGen C0950123, MeSH D030342.
Vici syndrome (VICIS). Identifiers: Orphanet 1493, MedGen C1855772, MONDO:0009452, OMIM 242840.

Allele frequency attached by ClinVar (database versions not stated): gnomAD exomes 0.00004 and 0.00011; ExAC 0.00012; 1000 Genomes Project 30x 0.00016; 1000 Genomes Project 0.00020; gnomAD 0.00025 and 0.00028; TOPMed 0.00032.
gnomAD v4.1: 119 of 1,614,178 alleles (0.0074%); highest among the groups gnomAD compares: African/African-American, 0.11%; 1 homozygote.

Submissions (5):

Labcorp Genetics (formerly Invitae), Labcorp
Classification: Uncertain significance for Vici syndrome. Last evaluated: 2024-12-15. Review status: criteria provided, single submitter. Criteria: Invitae Variant Classification Sherloc (09022015). Collection method: clinical testing. Allele origin: germline.
Comment: This sequence change replaces valine, which is neutral and non-polar, with alanine, which is neutral and non-polar, at codon 730 of the EPG5 protein (p.Val730Ala). This variant is present in population databases (rs549760994, gnomAD 0.1%). This variant has not been reported in the literature in individuals affected with EPG5-related conditions. ClinVar contains an entry for this variant (Variation ID: 579995). Invitae Evidence Modeling of protein sequence and biophysical properties (such as structural, functional, and spatial information, amino acid conservation, physicochemical variation, residue mobility, and thermodynamic stability) indicates that this missense variant is not expected to disrupt EPG5 protein function with a negative predictive value of 80%. In summary, the available evidence is currently insufficient to determine the role of this variant in disease. Therefore, it has been classified as a Variant of Uncertain Significance.

Blueprint Genetics
Classification: Uncertain significance. Last evaluated: 2024-08-12. Review status: criteria provided, single submitter. Criteria: ACMG Guidelines, 2015. Collection method: clinical testing. Allele origin: germline.

Revvity Omics, Revvity
Classification: Uncertain significance for Vici syndrome. Last evaluated: 2021-03-18. Review status: criteria provided, single submitter. Criteria: ACMG Guidelines, 2015. Collection method: clinical testing. Allele origin: germline.

Ambry Genetics
Classification: Uncertain significance for Inborn genetic diseases. Last evaluated: 2020-12-19. Review status: criteria provided, single submitter. Criteria: Ambry Variant Classification Scheme 2023. Collection method: clinical testing. Allele origin: germline.

Breakthrough Genomics
Classification: Uncertain significance. Review status: criteria provided, single submitter. Criteria: ACMG Guidelines, 2015. Collection method: not provided. Allele origin: germline. Inheritance: Autosomal recessive inheritance. Affected: yes.

NM_020964.3(EPG5):c.2189T>C (p.Val730Ala)

Gene: EPG5 (ectopic P-granules 5 autophagy tethering factor; minus strand). Cytogenetic location: 18q21.1.
Variant type: single nucleotide variant.
Coding change: c.2189T>C on transcript NM_020964.3 (MANE Select); coding-DNA position 2189, T replaced by C.
Protein change: p.Val730Ala; replaces valine 730 with alanine.
Molecular consequence: missense variant.
Genome position (GRCh38, 1-based): chr18:45,934,877, A>G on the plus strand (T>C on the coding strand, the complement: EPG5 is on the minus strand). VCF-style: chr18-45934877-A-G. GRCh37 (hg19) VCF-style: chr18-43514843-A-G.
Other names: c.2189T>C, p.Val730Ala (LRG_1234t1); short protein forms V730A.
Identifiers: ClinVar variation 579995 (VCV000579995.13), dbSNP rs549760994, ClinGen allele CA8949493.
Genomic context (GRCh38, chr18:45,934,877, plus strand): 5'-TGCTGCTTGCACTGGGCGGGCTGCAGGGAGGAGGAGAGCTGCTGCAGGTTCTCGCTCTCC[A>G]CCTGGTGCATGAGGTAGAAGAGCTTCCACAGCATTTGCACAGACAGAGTCCCAAAGGGCA-3'
Protein context (NP_066015.2, residues 720-740): LWKLFYLMHQ[Val730Ala]ESENLQQLSS